The following is an entry in ClinVar:

NM_001069.3(TUBB2A):c.563_564delinsTG (p.Ser188Leu)

Gene: TUBB2A (tubulin beta 2A class IIa; minus strand). Cytogenetic location: 6p25.2.
Variant type: Indel.
Coding change: c.563_564delinsTG on transcript NM_001069.3 (MANE Select); coding-DNA positions 563 to 564, CT replaced by TG.
Protein change: p.Ser188Leu; replaces serine 188 with leucine.
Molecular consequence: missense variant.
Genome position (GRCh38, 1-based): chr6:3,154,637-3,154,638, AG replaced by CA on the plus strand (CT replaced by TG on the coding strand, the reverse complement: TUBB2A is on the minus strand). VCF-style: chr6-3154637-AG-CA. GRCh37 (hg19) VCF-style: chr6-3154871-AG-CA.
Other names: c.308_309delinsTG, p.Ser103Leu (NM_001310315.2); short protein forms S103L, S188L.
Identifiers: ClinVar variation 2576684 (VCV002576684.2), dbSNP rs2533524841, ClinGen allele CA2580614820.

ClinVar aggregate classification (germline): Uncertain significance (1 of 4 stars; one submission).

Submission:

GeneDx
Classification: Uncertain significance. Last evaluated: 2025-09-30. Review status: criteria provided, single submitter. Criteria: GeneDx Variant Classification Process June 2021. Collection method: clinical testing. Allele origin: germline.
Comment: Not observed at significant frequency in large population cohorts (gnomAD); In silico analysis supports that this missense variant has a deleterious effect on protein structure/function; Has not been previously published as pathogenic or benign to our knowledge